The following is an entry in ClinVar:

ClinVar aggregate classification (germline): Uncertain significance (1 of 4 stars; one submission).

Conditions:
Autosomal dominant Parkinson disease 8. Also called: Parkinson disease 8; Parkinson disease 8, susceptibility to; LRRK2-Related Parkinson Disease. Identifiers: Orphanet 411602, MedGen C1846862, MONDO:0011764, OMIM 607060.

Allele frequency attached by ClinVar (database versions not stated): gnomAD exomes below 0.00001 and 0.00001; ExAC 0.00001.
gnomAD v4.1: 5 of 1,612,812 alleles (0.00031%); highest among the groups gnomAD compares: Admixed American, 0.005%; no homozygotes.

Submission:

Labcorp Genetics (formerly Invitae), Labcorp
Classification: Uncertain significance for Autosomal dominant Parkinson disease 8. Last evaluated: 2021-11-08. Review status: criteria provided, single submitter. Criteria: Invitae Variant Classification Sherloc (09022015). Collection method: clinical testing. Allele origin: germline.
Comment: In summary, the available evidence is currently insufficient to determine the role of this variant in disease. Therefore, it has been classified as a Variant of Uncertain Significance. Algorithms developed to predict the effect of missense changes on protein structure and function are either unavailable or do not agree on the potential impact of this missense change (SIFT: "Deleterious"; PolyPhen-2: "Probably Damaging"; Align-GVGD: "Class C0"). This variant has not been reported in the literature in individuals affected with LRRK2-related conditions. This variant is present in population databases (rs761514485, gnomAD 0.003%). This sequence change replaces leucine, which is neutral and non-polar, with phenylalanine, which is neutral and non-polar, at codon 112 of the LRRK2 protein (p.Leu112Phe).

NM_198578.4(LRRK2):c.334C>T (p.Leu112Phe)

Gene: LRRK2 (leucine rich repeat kinase 2; plus strand). Cytogenetic location: 12q12.
Variant type: single nucleotide variant.
Coding change: c.334C>T on transcript NM_198578.4 (MANE Select); coding-DNA position 334, C replaced by T.
Protein change: p.Leu112Phe; replaces leucine 112 with phenylalanine.
Molecular consequence: missense variant.
Genome position (GRCh38, 1-based): chr12:40,232,370, C>T. VCF-style: chr12-40232370-C-T. GRCh37 (hg19) VCF-style: chr12-40626172-C-T.
Other names: short protein forms L112F.
Identifiers: ClinVar variation 1412581 (VCV001412581.6), dbSNP rs761514485, ClinGen allele CA6513049.